The following is an entry in ClinVar:

ClinVar aggregate classification (germline): Likely benign. Review status: criteria provided, multiple submitters, no conflicts (2 of 4 stars). 2 submissions from 2 submitters: Likely benign (2). Last evaluated 2024-11-04.

Conditions:
Nemaline myopathy 2 (NEM2). Also called: Nemaline myopathy 2, autosomal recessive. Identifiers: MedGen C1850569, MONDO:0009725, OMIM 256030.

Allele frequency attached by ClinVar (database versions not stated): gnomAD exomes below 0.00001; ExAC 0.00001; gnomAD 0.00001 and 0.00002; TOPMed 0.00001.
gnomAD v4.1: 7 of 1,613,388 alleles (0.00043%); highest among the groups gnomAD compares: Admixed American, 0.0017%; no homozygotes.

Submissions (2):

Labcorp Genetics (formerly Invitae), Labcorp
Classification: Likely benign for Nemaline myopathy 2. Last evaluated: 2024-11-04. Review status: criteria provided, single submitter. Criteria: Invitae Variant Classification Sherloc (09022015). Collection method: clinical testing. Allele origin: germline.

GeneDx
Classification: Likely benign. Last evaluated: 2016-06-14. Review status: criteria provided, single submitter. Criteria: GeneDx Variant Classification (06012015). Collection method: clinical testing. Allele origin: germline. Affected: yes.
Comment: This variant is considered likely benign or benign based on one or more of the following criteria: it is a conservative change, it occurs at a poorly conserved position in the protein, it is predicted to be benign by multiple in silico algorithms, and/or has population frequency not consistent with disease.

NM_001164508.2(NEB):c.22374+20G>C

Genes: NEB (nebulin; minus strand), RIF1 (replication timing regulatory factor 1; plus strand). Cytogenetic location: 2q23.3.
Variant type: single nucleotide variant.
Coding change: c.22374+20G>C on transcript NM_001164508.2 (MANE Select); 20 bases into the intron after coding-DNA position 22374, G replaced by C.
Molecular consequence: intron variant.
Genome position (GRCh38, 1-based): chr2:151,524,495, C>G on the plus strand (G>C on the coding strand, the complement: NEB is on the minus strand). VCF-style: chr2-151524495-C-G. GRCh37 (hg19) VCF-style: chr2-152381009-C-G.
Other names: c.17271+20G>C (NM_004543.5); c.22374+20G>C (NM_001164507.2); c.22479+20G>C (NM_001271208.2).
Identifiers: ClinVar variation 386572 (VCV000386572.4), dbSNP rs764649803, ClinGen allele CA1906671.